The following is an entry in ClinVar:

ClinVar aggregate classification (germline): Pathogenic (1 of 4 stars; one submission).

Conditions:
Spastic paraplegia. Identifiers: MedGen C0037772, HP:0001258.

Submission:

Labcorp Genetics (formerly Invitae), Labcorp
Classification: Pathogenic for Spastic paraplegia. Last evaluated: 2024-05-07. Review status: criteria provided, single submitter. Criteria: Invitae Variant Classification Sherloc (09022015). Collection method: clinical testing. Allele origin: germline.
Comment: This sequence change creates a premature translational stop signal (p.Ala188Argfs*22) in the GJC2 gene. While this is not anticipated to result in nonsense mediated decay, it is expected to disrupt the last 252 amino acid(s) of the GJC2 protein. This variant is not present in population databases (gnomAD no frequency). This variant has not been reported in the literature in individuals affected with GJC2-related conditions. This variant disrupts a region of the GJC2 protein in which other variant(s) (p.Arg240*) have been determined to be pathogenic (PMID: 15192806; Invitae). This suggests that this is a clinically significant region of the protein, and that variants that disrupt it are likely to be disease-causing. For these reasons, this variant has been classified as Pathogenic.

Literature cited by the submitters: PubMed 15192806.

NM_020435.4(GJC2):c.562del (p.Ala188fs)

Gene: GJC2 (gap junction protein gamma 2; plus strand). Cytogenetic location: 1q42.13.
Variant type: Deletion.
Coding change: c.562del on transcript NM_020435.4 (MANE Select); coding-DNA position 562, one base deleted (G; older notation c.562delG).
Protein change: p.Ala188fs; shifts the reading frame from alanine 188.
Molecular consequence: frameshift variant.
Genome position (GRCh38, 1-based): chr1:228,158,320, G deleted; the last of 2 consecutive G bases (chr1:228,158,319-228,158,320); deleting either gives the same sequence. VCF-style (leftmost placement, unchanged base first): chr1-228158318-AG-A. GRCh37 (hg19) VCF-style: chr1-228346019-AG-A.
Other names: short protein forms A188fs.
Identifiers: ClinVar variation 3645858 (VCV003645858.2).